The following is an entry in ClinVar:

NM_015103.3(PLXND1):c.5193C>T (p.Asp1731=)

Gene: PLXND1 (plexin D1; minus strand). Cytogenetic location: 3q22.1.
Variant type: single nucleotide variant.
Coding change: c.5193C>T on transcript NM_015103.3 (MANE Select); coding-DNA position 5193, C replaced by T.
Protein change: p.Asp1731=; no amino-acid change (aspartic acid 1731 retained).
Molecular consequence: synonymous variant.
Genome position (GRCh38, 1-based): chr3:129,559,724, G>A on the plus strand (C>T on the coding strand, the complement: PLXND1 is on the minus strand). VCF-style: chr3-129559724-G-A. GRCh37 (hg19) VCF-style: chr3-129278567-G-A.
Identifiers: ClinVar variation 4281375 (VCV004281375.7).

ClinVar aggregate classification (germline): Likely benign (1 of 4 stars; one submission).

Submission:

CeGaT Center for Human Genetics Tuebingen
Classification: Likely benign. Last evaluated: 2025-09-01. Review status: criteria provided, single submitter. Criteria: CeGaT Center For Human Genetics Tuebingen Variant Classification Criteria Version 2. Collection method: clinical testing. Allele origin: germline. Affected: yes. Observed: 1 variant allele.
Comment: PLXND1: BP4, BP7